The following is an entry in ClinVar:

NM_001378743.1(CYLD):c.1684G>C (p.Ala562Pro)

Gene: CYLD (CYLD lysine 63 deubiquitinase; plus strand). Cytogenetic location: 16q12.1.
Variant type: single nucleotide variant.
Coding change: c.1684G>C on transcript NM_001378743.1 (MANE Select); coding-DNA position 1684, G replaced by C.
Protein change: p.Ala562Pro; replaces alanine 562 with proline.
Molecular consequence: missense variant.
Genome position (GRCh38, 1-based): chr16:50,781,411, G>C. VCF-style: chr16-50781411-G-C. GRCh37 (hg19) VCF-style: chr16-50815322-G-C.
Other names: c.1675G>C, p.Ala559Pro (NM_001042355.2, NM_001042412.3, NM_001378744.1 and 6 more transcripts); c.1645G>C, p.Ala549Pro (NM_001378751.1, NM_001378752.1, NM_001378753.1); c.1009G>C, p.Ala337Pro (NM_001378754.1, NM_001378755.1); c.1684G>C, p.Ala562Pro (NM_015247.3); short protein forms A562P, A559P, A337P, A549P.
Identifiers: ClinVar variation 267238 (VCV000267238.1), dbSNP rs886040877, ClinGen allele CA10590075.

ClinVar aggregate classification (germline): Uncertain significance (1 of 4 stars; one submission).

Conditions:
Familial cylindromatosis. Also called: ANCELL-SPIEGLER CYLINDROMAS; Turban tumor syndrome. Identifiers: Orphanet 211, Orphanet 79493, MedGen C1851526, MONDO:0007565, OMIM 132700.

Submission:

Genomic Diagnostic Laboratory, Division of Genomic Diagnostics, Children's Hospital of Philadelphia
Classification: Uncertain significance for Cylindromatosis, familial. Last evaluated: 2016-09-23. Review status: criteria provided, single submitter. Criteria: DGD Variant Analysis Guidelines. Collection method: clinical testing. Allele origin: germline. Affected: yes. Observed: 1 variant allele.
Comment: Clinical Testing